The following is an entry in ClinVar:

ClinVar aggregate classification (germline): Uncertain significance (1 of 4 stars; one submission).

Conditions:
Cardiovascular phenotype. Identifiers: MedGen CN230736.

gnomAD v4.1: 2 of 1,612,950 alleles (0.00012%); highest among the groups gnomAD compares: East Asian, 0.0045%; no homozygotes.

Submission:

Ambry Genetics
Classification: Uncertain significance for Cardiovascular phenotype. Last evaluated: 2024-08-03. Review status: criteria provided, single submitter. Criteria: Ambry Variant Classification Scheme 2023. Collection method: clinical testing. Allele origin: germline.
Comment: The p.I533F variant (also known as c.1597A>T), located in coding exon 7 of the PKP2 gene, results from an A to T substitution at nucleotide position 1597. The isoleucine at codon 533 is replaced by phenylalanine, an amino acid with highly similar properties. This amino acid position is conserved. In addition, the in silico prediction for this alteration is inconclusive. Based on the available evidence, the clinical significance of this variant remains unclear.

NM_001005242.3(PKP2):c.1465A>T (p.Ile489Phe)

Gene: PKP2 (plakophilin 2; minus strand). Cytogenetic location: 12p11.21.
Variant type: single nucleotide variant.
Coding change: c.1465A>T on transcript NM_001005242.3 (MANE Select); coding-DNA position 1465, A replaced by T.
Protein change: p.Ile489Phe; replaces isoleucine 489 with phenylalanine.
Molecular consequence: missense variant.
Genome position (GRCh38, 1-based): chr12:32,841,119, T>A on the plus strand (A>T on the coding strand, the complement: PKP2 is on the minus strand). VCF-style: chr12-32841119-T-A. GRCh37 (hg19) VCF-style: chr12-32994053-T-A.
Other names: c.1465A>T, p.Ile489Phe (NM_001407155.1, NM_001407156.1, NM_001407161.1); c.1597A>T, p.Ile533Phe (NM_001407157.1, NM_004572.4); c.1138A>T, p.Ile380Phe (NM_001407158.1, NM_001407159.1, NM_001407160.1 and 1 more transcripts); short protein forms I489F, I533F, I380F.
Identifiers: ClinVar variation 3419516 (VCV003419516.1).